The following is an entry in ClinVar:

NM_000038.6(APC):c.467A>G (p.Asp156Gly)

Gene: APC (APC regulator of Wnt signaling pathway; plus strand). Cytogenetic location: 5q22.2.
Variant type: single nucleotide variant.
Coding change: c.467A>G on transcript NM_000038.6 (MANE Select); coding-DNA position 467, A replaced by G.
Protein change: p.Asp156Gly; replaces aspartic acid 156 with glycine.
Molecular consequence: missense variant. On other transcripts: 5 prime UTR variant (1).
Genome position (GRCh38, 1-based): chr5:112,775,673, A>G. VCF-style: chr5-112775673-A-G. GRCh37 (hg19) VCF-style: chr5-112111370-A-G.
Other names: c.467A>G, p.Asp156Gly (NM_001127510.3, NM_001354895.2, NM_001354896.2 and 2 more transcripts); c.497A>G, p.Asp166Gly (NM_001127511.3, NM_001354897.2, NM_001354902.2); c.392A>G, p.Asp131Gly (NM_001354898.2, NM_001354904.2); c.290A>G, p.Asp97Gly (NM_001354900.2, NM_001354901.2, NM_001354905.2); c.-569A>G (NM_001354906.2); short protein forms D156G, D166G, D97G, D131G.
Identifiers: ClinVar variation 489457 (VCV000489457.7), dbSNP rs1554071540, ClinGen allele CA16022343.

ClinVar aggregate classification (germline): Uncertain significance. Review status: criteria provided, multiple submitters, no conflicts (2 of 4 stars). 2 submissions from 2 submitters: Uncertain significance (2). Last evaluated 2025-10-14.

Conditions:
Familial adenomatous polyposis 1 (FAP1). Also called: POLYPOSIS, ADENOMATOUS INTESTINAL; FAMILIAL ADENOMATOUS POLYPOSIS 1, ATTENUATED. Identifiers: MedGen C2713442, MONDO:0021056, OMIM 175100. Disease mechanism: loss of function.
Hereditary cancer-predisposing syndrome. Also called: Hereditary Cancer Syndrome; Neoplastic Syndromes, Hereditary; Tumor predisposition; Hereditary neoplastic syndrome. Identifiers: Orphanet 140162, MedGen C0027672, MeSH D009386, MONDO:0015356.

Submissions (2):

Labcorp Genetics (formerly Invitae), Labcorp
Classification: Uncertain significance for Familial adenomatous polyposis 1. Last evaluated: 2025-10-14. Review status: criteria provided, single submitter. Criteria: Invitae Variant Classification Sherloc (09022015). Collection method: clinical testing. Allele origin: germline.
Comment: This sequence change replaces aspartic acid, which is acidic and polar, with glycine, which is neutral and non-polar, at codon 156 of the APC protein (p.Asp156Gly). This variant is not present in population databases (gnomAD no frequency). This variant has not been reported in the literature in individuals affected with APC-related conditions. ClinVar contains an entry for this variant (Variation ID: 489457). Invitae Evidence Modeling of protein sequence and biophysical properties (such as structural, functional, and spatial information, amino acid conservation, physicochemical variation, residue mobility, and thermodynamic stability) indicates that this missense variant is not expected to disrupt APC protein function with a negative predictive value of 95%. In summary, the available evidence is currently insufficient to determine the role of this variant in disease. Therefore, it has been classified as a Variant of Uncertain Significance.

Color Diagnostics, LLC DBA Color Health
Classification: Uncertain significance for Hereditary cancer-predisposing syndrome. Last evaluated: 2023-12-05. Review status: criteria provided, single submitter. Criteria: ACMG Guidelines, 2015. Collection method: clinical testing. Allele origin: germline.
Comment: This missense variant replaces aspartic acid with glycine at codon 156 of the APC protein. Computational prediction suggests that this variant may not impact protein structure and function (internally defined REVEL score threshold <= 0.5, PMID: 27666373). To our knowledge, functional studies have not been reported for this variant. This variant has not been reported in individuals affected with APC-related disorders in the literature. This variant has not been identified in the general population by the Genome Aggregation Database (gnomAD). The available evidence is insufficient to determine the role of this variant in disease conclusively. Therefore, this variant is classified as a Variant of Uncertain Significance.